The following is an entry in ClinVar:

ClinVar aggregate classification (germline): Uncertain significance (1 of 4 stars; one submission).

Conditions:
Insulin-dependent diabetes mellitus secretory diarrhea syndrome (IPEX). Also called: IMMUNODEFICIENCY, POLYENDOCRINOPATHY, AND ENTEROPATHY, X-LINKED; Immune dysregulation-polyendocrinopathy-enteropathy-X-linked syndrome; X-Linked Autoimmunity-Allergic Dysregulation Syndrome; DIABETES MELLITUS, CONGENITAL INSULIN-DEPENDENT, WITH FATAL SECRETORY DIARRHEA; DIARRHEA, POLYENDOCRINOPATHY, FATAL INFECTION SYNDROME, X-LINKED; ENTEROPATHY, AUTOIMMUNE, WITH HEMOLYTIC ANEMIA AND POLYENDOCRINOPATHY. Identifiers: Orphanet 37042, MedGen C0342288, MONDO:0010580, OMIM 304790. Disease mechanism: loss of function.

Submission:

Labcorp Genetics (formerly Invitae), Labcorp
Classification: Uncertain significance for Insulin-dependent diabetes mellitus secretory diarrhea syndrome. Last evaluated: 2025-09-15. Review status: criteria provided, single submitter. Criteria: Invitae Variant Classification Sherloc (09022015). Collection method: clinical testing. Allele origin: germline.
Comment: This variant occurs in a non-coding region of the FOXP3 gene. It does not change the encoded amino acid sequence of the FOXP3 protein. It affects a nucleotide within the consensus splice site. The frequency data for this variant in the population databases is considered unreliable, as metrics indicate insufficient coverage at this position in the gnomAD database. This variant has been observed in individuals with IPEX syndrome (PMID: 30385752; internal data). Variants that disrupt the consensus splice site are a relatively common cause of aberrant splicing (PMID: 17576681, 9536098). Algorithms developed to predict the effect of sequence changes on RNA splicing suggest that this variant is not likely to affect RNA splicing. In summary, the available evidence is currently insufficient to determine the role of this variant in disease. Therefore, it has been classified as a Variant of Uncertain Significance.

Literature cited by the submitters: PubMed 30385752; PubMed 17576681; PubMed 9536098.

NM_014009.4(FOXP3):c.-23+5G>A

Gene: FOXP3 (forkhead box P3; minus strand). Cytogenetic location: Xp11.23.
Variant type: single nucleotide variant.
Coding change: c.-23+5G>A on transcript NM_014009.4 (MANE Select); 5 bases into the intron after 23 bases upstream of the start codon, G replaced by A.
Molecular consequence: intron variant.
Genome position (GRCh38, 1-based): chrX:49,264,656, C>T on the plus strand (G>A on the coding strand, the complement: FOXP3 is on the minus strand). VCF-style: chrX-49264656-C-T. GRCh37 (hg19) VCF-style: chrX-49121118-C-T.
Other names: c.-23+5G>A (NM_001114377.2).
Identifiers: ClinVar variation 4737672 (VCV004737672.1).
Genomic context (GRCh38, chrX:49,264,656, plus strand): 5'-GCCTACCTCCCTGCCATCTCCTCCAATGGGGCCCACATCTGGTAGGGGAGAGCAGGGACA[C>T]TCACCTTGGTGAAGTGGACTGACAGAAAAGGATCAGCCTGGCTTGTGGGAAACTGTCACG-3'